The following is an entry in ClinVar:

ClinVar aggregate classification (germline): Pathogenic (1 of 4 stars; one submission).

Conditions:
Symmetrical dyschromatosis of extremities (DSH). Also called: DYSCHROMATOSIS SYMMETRICA HEREDITARIA 1; RETICULATE ACROPIGMENTATION OF DOHI; SYMMETRIC DYSCHROMATOSIS OF THE EXTREMITIES; Dyschromatosis symmetrica hereditaria. Identifiers: Orphanet 41, MedGen C0406775, MONDO:0007483, OMIM 127400.
Aicardi-Goutieres syndrome 6 (AGS6). Identifiers: Orphanet 51, MedGen C3539013, MONDO:0014007, OMIM 615010.

Submission:

Labcorp Genetics (formerly Invitae), Labcorp
Classification: Pathogenic for Aicardi-Goutieres syndrome 6; Symmetrical dyschromatosis of extremities. Last evaluated: 2023-09-08. Review status: criteria provided, single submitter. Criteria: Invitae Variant Classification Sherloc (09022015). Collection method: clinical testing. Allele origin: germline.
Comment: For these reasons, this variant has been classified as Pathogenic. This variant has not been reported in the literature in individuals affected with ADAR-related conditions. This variant is not present in population databases (gnomAD no frequency). This sequence change creates a premature translational stop signal (p.Ser581Ilefs*41) in the ADAR gene. It is expected to result in an absent or disrupted protein product. Loss-of-function variants in ADAR are known to be pathogenic (PMID: 22974014).

Literature cited by the submitters: PubMed 22974014.

NM_001111.5(ADAR):c.1740dup (p.Ser581fs)

Gene: ADAR (adenosine deaminase RNA specific; minus strand). Cytogenetic location: 1q21.3.
Variant type: Duplication.
Coding change: c.1740dup on transcript NM_001111.5 (MANE Select); coding-DNA position 1740, one base duplicated (A; older notation c.1740dupA).
Protein change: p.Ser581fs; shifts the reading frame from serine 581.
Molecular consequence: frameshift variant.
Genome position (GRCh38, 1-based): chr1:154,598,447, T duplicated on the plus strand (A on the coding strand, the reverse complement: ADAR is on the minus strand); the first of 4 consecutive T bases (chr1:154,598,447-154,598,450); duplicating any one gives the same sequence. VCF-style (leftmost placement, unchanged base first): chr1-154598446-A-AT. GRCh37 (hg19) VCF-style: chr1-154570922-A-AT.
Other names: c.855dup, p.Ser286fs (NM_001025107.3, NM_001193495.2, NM_001365046.1 and 3 more transcripts); c.1767dup, p.Ser590fs (NM_001365045.1); c.1740dup, p.Ser581fs (NM_015840.4, NM_015841.4); short protein forms S581fs, S590fs, S286fs.
Identifiers: ClinVar variation 2950650 (VCV002950650.3), dbSNP rs2526612634, ClinGen allele CA2740090381.
Genomic context (GRCh38, chr1:154,598,446, plus strand): 5'-GCAGGAGGACACCTACCTTCTCTGATTCTTTCTCTGTGGAATAGTGGGATGATTCTTCTG[A>AT]TTTTCCACTGTCCTTGGCTTTGGCTTCCTCTAGCAGAATTGTCATGGCTTTCATAGCTGC-3'